The following is an entry in ClinVar:

ClinVar aggregate classification (germline): Uncertain significance (1 of 4 stars; one submission).

Conditions:
Adams-Oliver syndrome 5 (AOS5). Identifiers: Orphanet 974, MedGen C4014970, MONDO:0014459, OMIM 616028.

Submission:

Labcorp Genetics (formerly Invitae), Labcorp
Classification: Uncertain significance for Adams-Oliver syndrome 5. Last evaluated: 2023-02-14. Review status: criteria provided, single submitter. Criteria: Invitae Variant Classification Sherloc (09022015). Collection method: clinical testing. Allele origin: germline.
Comment: Advanced modeling of protein sequence and biophysical properties (such as structural, functional, and spatial information, amino acid conservation, physicochemical variation, residue mobility, and thermodynamic stability) performed at Invitae indicates that this missense variant is not expected to disrupt NOTCH1 protein function. This sequence change replaces serine, which is neutral and polar, with asparagine, which is neutral and polar, at codon 534 of the NOTCH1 protein (p.Ser534Asn). This variant is not present in population databases (gnomAD no frequency). This variant has not been reported in the literature in individuals affected with NOTCH1-related conditions. In summary, the available evidence is currently insufficient to determine the role of this variant in disease. Therefore, it has been classified as a Variant of Uncertain Significance.

NM_017617.5(NOTCH1):c.1601G>A (p.Ser534Asn)

Gene: NOTCH1 (notch receptor 1; minus strand). Cytogenetic location: 9q34.3.
Variant type: single nucleotide variant.
Coding change: c.1601G>A on transcript NM_017617.5 (MANE Select); coding-DNA position 1601, G replaced by A.
Protein change: p.Ser534Asn; replaces serine 534 with asparagine.
Molecular consequence: missense variant.
Genome position (GRCh38, 1-based): chr9:136,516,049, C>T on the plus strand (G>A on the coding strand, the complement: NOTCH1 is on the minus strand). VCF-style: chr9-136516049-C-T. GRCh37 (hg19) VCF-style: chr9-139410501-C-T.
Other names: short protein forms S534N.
Identifiers: ClinVar variation 2829591 (VCV002829591.3), dbSNP rs2133365307, ClinGen allele CA375560882.
Genomic context (GRCh38, chr9:136,516,049, plus strand): 5'-CACACACAGGTGTAAGTGTTGGGTCCGTCCAGGCACTTGGCACCATTCTTGCAGGGGGTG[C>T]TGGCACACTCGTCCACATCGTACTGGCACAGATGCCCAGTGAAGCCTGGGGCCGGGGAGG-3'
Protein context (NP_060087.3, residues 524-544): LCQYDVDECA[Ser534Asn]TPCKNGAKCL